The following is an entry in ClinVar:

NM_006087.4(TUBB4A):c.624C>T (p.Tyr208=)

Gene: TUBB4A (tubulin beta 4A class IVa; minus strand). Cytogenetic location: 19p13.3.
Variant type: single nucleotide variant.
Coding change: c.624C>T on transcript NM_006087.4 (MANE Select); coding-DNA position 624, C replaced by T.
Protein change: p.Tyr208=; no amino-acid change (tyrosine 208 retained).
Molecular consequence: synonymous variant.
Genome position (GRCh38, 1-based): chr19:6,495,875, G>A on the plus strand (C>T on the coding strand, the complement: TUBB4A is on the minus strand). VCF-style: chr19-6495875-G-A. GRCh37 (hg19) VCF-style: chr19-6495886-G-A.
Other names: c.777C>T, p.Tyr259= (NM_001289123.2); c.759C>T, p.Tyr253= (NM_001289127.2); c.624C>T, p.Tyr208= (NM_001289129.2); c.408C>T, p.Tyr136= (NM_001289130.2, NM_001289131.2).
Identifiers: ClinVar variation 330264 (VCV000330264.30), dbSNP rs199666595, ClinGen allele CA9127343.

ClinVar aggregate classification (germline): Benign/Likely benign. Review status: criteria provided, multiple submitters, no conflicts (2 of 4 stars). 4 submissions from 3 submitters: Benign (2); Likely benign (2). Last evaluated 2024-10-07.

Conditions:
Torsion dystonia 4. Also called: DYT-TUBB4A (Autosomal Dominant Torsion Dystonia); DYSTONIA MUSCULORUM DEFORMANS 4. Identifiers: Orphanet 98805, MedGen C1851943, MONDO:0007493, OMIM 128101.
Leukodystrophy, hypomyelinating, 6. Also called: Hypomyelination with Atrophy of Basal Ganglia and Cerebellum (H-ABC); LEUKODYSTROPHY, HYPOMYELINATING, WITH ATROPHY OF THE BASAL GANGLIA AND CEREBELLUM; TUBB4A-Associated Leukodystrophy. Identifiers: Orphanet 139441, MedGen C2676244, MONDO:0012905, OMIM 612438.

Allele frequency attached by ClinVar (database versions not stated): gnomAD 0.00001; TOPMed 0.00005; gnomAD exomes 0.00011; ExAC 0.00016.
gnomAD v4.1: 107 of 1,614,092 alleles (0.0066%); highest among the groups gnomAD compares: South Asian, 0.09%; no homozygotes.

Submissions (4):

Blueprint Genetics
Classification: Likely benign. Last evaluated: 2024-10-07. Review status: criteria provided, single submitter. Criteria: ACMG Guidelines, 2015. Collection method: clinical testing. Allele origin: germline.

CeGaT Center for Human Genetics Tuebingen
Classification: Likely benign. Last evaluated: 2022-10-01. Review status: criteria provided, single submitter. Criteria: CeGaT Center For Human Genetics Tuebingen Variant Classification Criteria Version 2. Collection method: clinical testing. Allele origin: germline. Affected: yes. Observed: 1 variant allele.
Comment: TUBB4A: BP4, BP7

Illumina Laboratory Services, Illumina
Classification: Benign for Leukodystrophy, hypomyelinating, 6. Last evaluated: 2018-01-13. Review status: criteria provided, single submitter. Criteria: ICSL Variant Classification Criteria 13 December 2019. Collection method: clinical testing. Allele origin: germline.
Comment: This variant was observed in the ICSL laboratory as part of a predisposition screen in an ostensibly healthy population. It had not been previously curated by ICSL or reported in the Human Gene Mutation Database (HGMD: prior to June 1st, 2018), and was therefore a candidate for classification through an automated scoring system. Utilizing variant allele frequency, disease prevalence and penetrance estimates, and inheritance mode, an automated score was calculated to assess if this variant is too frequent to cause the disease. Based on the score and internal cut-off values, a variant classified as benign is not then subjected to further curation. The score for this variant resulted in a classification of benign for this disease.

Illumina Laboratory Services, Illumina
Classification: Benign for Torsion dystonia 4. Last evaluated: 2018-01-13. Review status: criteria provided, single submitter. Criteria: ICSL Variant Classification Criteria 13 December 2019. Collection method: clinical testing. Allele origin: germline.
Comment: the same text as in the submission from Illumina Laboratory Services, Illumina above.